The following is an entry in ClinVar:

ClinVar aggregate classification (germline): Uncertain significance (1 of 4 stars; one submission).

Allele frequency attached by ClinVar (database versions not stated): gnomAD exomes below 0.00001; gnomAD 0.00001.
gnomAD v4.1: 2 of 1,613,738 alleles (0.00012%); highest among the groups gnomAD compares: African/African-American, 0.0013%; no homozygotes.

Submission:

Ambry Genetics
Classification: Uncertain significance. Last evaluated: 2023-12-17. Review status: criteria provided, single submitter. Criteria: Ambry Variant Classification Scheme 2023. Collection method: clinical testing. Allele origin: germline.
Comment: The p.S2154P variant (also known as c.6460T>C), located in coding exon 12 of the ALPK2 gene, results from a T to C substitution at nucleotide position 6460. The serine at codon 2154 is replaced by proline, an amino acid with similar properties. This amino acid position is conserved. In addition, this alteration is predicted to be tolerated by in silico analysis. Since supporting evidence is limited at this time, the clinical significance of this alteration remains unclear.

NM_052947.4(ALPK2):c.6460T>C (p.Ser2154Pro)

Gene: ALPK2 (alpha kinase 2; minus strand). Cytogenetic location: 18q21.31.
Variant type: single nucleotide variant.
Coding change: c.6460T>C on transcript NM_052947.4 (MANE Select); coding-DNA position 6460, T replaced by C.
Protein change: p.Ser2154Pro; replaces serine 2154 with proline.
Molecular consequence: missense variant.
Genome position (GRCh38, 1-based): chr18:58,481,876, A>G on the plus strand (T>C on the coding strand, the complement: ALPK2 is on the minus strand). VCF-style: chr18-58481876-A-G. GRCh37 (hg19) VCF-style: chr18-56149108-A-G.
Other names: short protein forms S2154P.
Identifiers: ClinVar variation 3228862 (VCV003228862.1), dbSNP rs1271318747, ClinGen allele CA402538337.